The following is an entry in ClinVar:

NM_006180.6(NTRK2):c.392C>T (p.Ser131Phe)

Gene: NTRK2 (neurotrophic receptor tyrosine kinase 2; plus strand). Cytogenetic location: 9q21.33.
Variant type: single nucleotide variant.
Coding change: c.392C>T on transcript NM_006180.6 (MANE Select); coding-DNA position 392, C replaced by T.
Protein change: p.Ser131Phe; replaces serine 131 with phenylalanine.
Molecular consequence: missense variant. On other transcripts: 5 prime UTR variant (5).
Genome position (GRCh38, 1-based): chr9:84,707,876, C>T. VCF-style: chr9-84707876-C-T. GRCh37 (hg19) VCF-style: chr9-87322791-C-T.
Other names: c.392C>T, p.Ser131Phe (NM_001007097.3, NM_001018064.3, NM_001018065.2 and 19 more transcripts); c.-77C>T (NM_001369535.1, NM_001369536.1, NM_001369552.1 and 2 more transcripts); short protein forms S131F.
Identifiers: ClinVar variation 1974795 (VCV001974795.5), dbSNP rs2491671803, ClinGen allele CA374005422.
Genomic context (GRCh38, chr9:84,707,876, plus strand): 5'-CATGTTTAATGTTTTTGATTCCTTTCAGCAATTTTACCCGAAACAAACTGACGAGTTTGT[C>T]TAGGAAACATTTCCGTCACCTTGACTTGTCTGAACTGTAAGTAATGATTTTGTGTGGCAT-3'
Protein context (NP_006171.2, residues 121-141): NFTRNKLTSL[Ser131Phe]RKHFRHLDLS

ClinVar aggregate classification (germline): Uncertain significance (1 of 4 stars; one submission).

Allele frequency attached by ClinVar (database versions not stated): gnomAD exomes 0.00001.
gnomAD v4.1: 8 of 1,612,864 alleles (0.0005%); highest among the groups gnomAD compares: Non-Finnish European, 0.00068%; no homozygotes.

Submission:

Labcorp Genetics (formerly Invitae), Labcorp
Classification: Uncertain significance. Last evaluated: 2022-06-25. Review status: criteria provided, single submitter. Criteria: Invitae Variant Classification Sherloc (09022015). Collection method: clinical testing. Allele origin: germline.
Comment: This variant has not been reported in the literature in individuals affected with NTRK2-related conditions. This variant is not present in population databases (gnomAD no frequency). This sequence change replaces serine, which is neutral and polar, with phenylalanine, which is neutral and non-polar, at codon 131 of the NTRK2 protein (p.Ser131Phe). Advanced modeling of protein sequence and biophysical properties (such as structural, functional, and spatial information, amino acid conservation, physicochemical variation, residue mobility, and thermodynamic stability) performed at Invitae indicates that this missense variant is expected to disrupt NTRK2 protein function. In summary, the available evidence is currently insufficient to determine the role of this variant in disease. Therefore, it has been classified as a Variant of Uncertain Significance.